The following is an entry in ClinVar:

NM_003859.3(DPM1):c.521T>G (p.Ile174Ser)

Genes: ADNP-AS1 (ADNP antisense RNA 1; plus strand), DPM1 (dolichyl-phosphate mannosyltransferase subunit 1, catalytic; minus strand). Cytogenetic location: 20q13.13.
Variant type: single nucleotide variant.
Coding change: c.521T>G on transcript NM_003859.3 (MANE Select); coding-DNA position 521, T replaced by G.
Protein change: p.Ile174Ser; replaces isoleucine 174 with serine.
Molecular consequence: missense variant. On other transcripts: non-coding transcript variant (1), intron variant (1).
Genome position (GRCh38, 1-based): chr20:50,940,907, A>C on the plus strand (T>G on the coding strand, the complement: DPM1 is on the minus strand). VCF-style: chr20-50940907-A-C. GRCh37 (hg19) VCF-style: chr20-49557444-A-C.
Other names: c.626T>G, p.Ile209Ser (NM_001317034.1); c.602T>G, p.Ile201Ser (NM_001317035.1); c.494+1124T>G (NM_001317036.1); short protein forms I174S, I201S, I209S.
Identifiers: ClinVar variation 2007176 (VCV002007176.4), dbSNP rs1985670950, ClinGen allele CA408988552.

ClinVar aggregate classification (germline): Uncertain significance (1 of 4 stars; one submission).

Conditions:
Congenital disorder of glycosylation type 1E (CDG1E). Also called: CONGENITAL DISORDER OF GLYCOSYLATION, TYPE Ie; CDG Ie. Identifiers: Orphanet 79322, MedGen C1837396, MONDO:0012123, OMIM 608799.

Submission:

Labcorp Genetics (formerly Invitae), Labcorp
Classification: Uncertain significance for Congenital disorder of glycosylation type 1E. Last evaluated: 2021-11-27. Review status: criteria provided, single submitter. Criteria: Invitae Variant Classification Sherloc (09022015). Collection method: clinical testing. Allele origin: germline.
Comment: In summary, the available evidence is currently insufficient to determine the role of this variant in disease. Therefore, it has been classified as a Variant of Uncertain Significance. Algorithms developed to predict the effect of missense changes on protein structure and function are either unavailable or do not agree on the potential impact of this missense change (SIFT: "Deleterious"; PolyPhen-2: "Benign"; Align-GVGD: "Class C0"). This variant has not been reported in the literature in individuals affected with DPM1-related conditions. This variant is not present in population databases (gnomAD no frequency). This sequence change replaces isoleucine, which is neutral and non-polar, with serine, which is neutral and polar, at codon 174 of the DPM1 protein (p.Ile174Ser).